The following is an entry in ClinVar:

ClinVar aggregate classification (germline): Conflicting classifications of pathogenicity. Review status: criteria provided, conflicting classifications (1 of 4 stars). 7 submissions from 7 submitters: Uncertain significance (2); Likely benign (5). Last evaluated 2026-06-01.

Conditions:
TTN-related disorder. Also called: TTN-related disorders; TTN-related condition; TTN-related disease.
Cardiovascular phenotype. Identifiers: MedGen CN230736.

Allele frequency attached by ClinVar (database versions not stated): gnomAD 0.00005 and 0.00007; gnomAD exomes 0.00006 and 0.00010; TOPMed 0.00006; ExAC 0.00014; ESP Exome Variant Server 0.00017; 1000 Genomes Project 0.00040; 1000 Genomes Project 30x 0.00047.
gnomAD v4.1: 95 of 1,613,236 alleles (0.0059%); highest among the groups gnomAD compares: Middle Eastern, 0.05%; 1 homozygote.

Submissions (7):

CeGaT Center for Human Genetics Tuebingen
Classification: Likely benign. Last evaluated: 2026-06-01. Review status: criteria provided, single submitter. Criteria: CeGaT Center For Human Genetics Tuebingen Variant Classification Criteria Version 2. Collection method: clinical testing. Allele origin: germline. Affected: yes. Observed: 2 variant alleles.
Comment: TTN: BP1, BP4

Molecular Diagnostic Laboratory for Inherited Cardiovascular Disease, Montreal Heart Institute
Classification: Likely benign. Last evaluated: 2026-03-27. Review status: criteria provided, single submitter. Criteria: ACMG Guidelines, 2015. Collection method: clinical testing. Allele origin: germline. Affected: no.

PreventionGenetics, part of Exact Sciences
Classification: Uncertain significance for TTN-related condition. Last evaluated: 2025-12-31. Review status: criteria provided, single submitter. Criteria: ACMG Guidelines, 2015. Collection method: clinical testing. Allele origin: germline.
Comment: The TTN c.11440G>A variant is predicted to result in the amino acid substitution p.Glu3814Lys. To our knowledge, this variant has not been reported in the literature. This variant is reported in 0.016% of alleles in individuals of South Asian descent in gnomAD including one homozygote. At this time, the clinical significance of this variant is uncertain due to the absence of conclusive functional and genetic evidence.

Eurofins Ntd Llc (ga)
Classification: Uncertain significance. Last evaluated: 2018-07-02. Review status: criteria provided, single submitter. Criteria: EGL ClinVar v180209 classification definitions. Collection method: clinical testing. Allele origin: germline. Observed: 1 variant allele, 1 heterozygote.

Ambry Genetics
Classification: Likely benign for Cardiovascular phenotype. Last evaluated: 2017-12-15. Review status: criteria provided, single submitter. Criteria: Ambry Variant Classification Scheme 2023. Collection method: clinical testing. Allele origin: germline.

GeneDx
Classification: Likely benign. Last evaluated: 2017-04-06. Review status: criteria provided, single submitter. Criteria: GeneDx Variant Classification (06012015). Collection method: clinical testing. Allele origin: germline. Affected: yes.
Comment: This variant is considered likely benign or benign based on one or more of the following criteria: it is a conservative change, it occurs at a poorly conserved position in the protein, it is predicted to be benign by multiple in silico algorithms, and/or has population frequency not consistent with disease.

Laboratory for Molecular Medicine, Mass General Brigham Personalized Medicine
Classification: Likely benign. Last evaluated: 2014-02-07. Review status: criteria provided, single submitter. Criteria: LMM Criteria. Collection method: clinical testing. Allele origin: germline. Observed: 2 variant alleles.
Comment: Glu3576Lys in exon 45B of TTN: This variant has been identified in 2/8176 Europe an American chromosomes by the NHLBI Exome Sequencing Project (dbSNP rs375103237). This variant is not expected to have cli nical significance due to a lack of conservation across species, including mamma ls. Of note, more than 35 species have a lysine (Lys) at this position despite h igh nearby amino acid conservation. Glu3576Lys in exon 45B of TTN (rs375103237 ; allele frequency = 2/8600) **

NM_001267550.2(TTN):c.11440G>A (p.Glu3814Lys)

Gene: TTN (titin; minus strand). Cytogenetic location: 2q31.2.
Variant type: single nucleotide variant.
Coding change: c.11440G>A on transcript NM_001267550.2 (MANE Select); coding-DNA position 11440, G replaced by A.
Protein change: p.Glu3814Lys; replaces glutamic acid 3814 with lysine.
Molecular consequence: missense variant. On other transcripts: intron variant (1).
Genome position (GRCh38, 1-based): chr2:178,741,793, C>T on the plus strand (G>A on the coding strand, the complement: TTN is on the minus strand). VCF-style: chr2-178741793-C-T. GRCh37 (hg19) VCF-style: chr2-179606520-C-T.
Other names: p.E3576K:GAA>AAA; c.10927G>A, p.Glu3643Lys (NM_133437.4); c.10361-3433G>A (NM_133378.4); c.10489G>A, p.Glu3497Lys (NM_001256850.1); c.10351G>A, p.Glu3451Lys (NM_003319.4); c.10726G>A, p.Glu3576Lys (NM_133432.3); short protein forms E3576K, E3814K, E3497K, E3451K, E3643K.
Identifiers: ClinVar variation 166245 (VCV000166245.51), dbSNP rs375103237, ClinGen allele CA179055.